The following is an entry in ClinVar:

NM_000179.3(MSH6):c.2282G>T (p.Arg761Met)

Gene: MSH6 (mutS homolog 6; plus strand). Cytogenetic location: 2p16.3.
Variant type: single nucleotide variant.
Coding change: c.2282G>T on transcript NM_000179.3 (MANE Select); coding-DNA position 2282, G replaced by T.
Protein change: p.Arg761Met; replaces arginine 761 with methionine.
Molecular consequence: missense variant.
Genome position (GRCh38, 1-based): chr2:47,800,265, G>T. VCF-style: chr2-47800265-G-T. GRCh37 (hg19) VCF-style: chr2-48027404-G-T.
Other names: c.1892G>T, p.Arg631Met (NM_001281492.2); c.1376G>T, p.Arg459Met (NM_001281493.2, NM_001281494.2); short protein forms R761M, R631M, R459M.
Identifiers: ClinVar variation 455185 (VCV000455185.9), dbSNP rs587779233, ClinGen allele CA346752899.

ClinVar aggregate classification (germline): Uncertain significance (1 of 4 stars; one submission).

Conditions:
Hereditary nonpolyposis colorectal neoplasms. Identifiers: MedGen C0009405, MeSH D003123.

Submission:

Labcorp Genetics (formerly Invitae), Labcorp
Classification: Uncertain significance for Hereditary nonpolyposis colorectal neoplasms. Last evaluated: 2017-07-10. Review status: criteria provided, single submitter. Criteria: Invitae Variant Classification Sherloc (09022015). Collection method: clinical testing. Allele origin: germline.
Comment: This sequence change replaces arginine with methionine at codon 761 of the MSH6 protein (p.Arg761Met). The arginine residue is moderately conserved and there is a moderate physicochemical difference between arginine and methionine. This variant is not present in population databases (ExAC no frequency). This variant has not been reported in the literature in individuals with MSH6-related disease. Algorithms developed to predict the effect of missense changes on protein structure and function do not agree on the potential impact of this missense change (SIFT: "Deleterious"; PolyPhen-2: "Possibly Damaging"; Align-GVGD: "Class C0"). In summary, the available evidence is currently insufficient to determine the role of this variant in disease. Therefore, it has been classified as a Variant of Uncertain Significance.